The following is an entry in ClinVar:

ClinVar aggregate classification (germline): Uncertain significance (1 of 4 stars; one submission).

Allele frequency attached by ClinVar (database versions not stated): gnomAD exomes below 0.00001.
gnomAD v4.1: 1 of 1,614,170 alleles (0.000062%); highest among the groups gnomAD compares: Non-Finnish European, 0.000085%; no homozygotes.

Submission:

Labcorp Genetics (formerly Invitae), Labcorp
Classification: Uncertain significance. Last evaluated: 2024-03-26. Review status: criteria provided, single submitter. Criteria: Invitae Variant Classification Sherloc (09022015). Collection method: clinical testing. Allele origin: germline.
Comment: This sequence change replaces alanine, which is neutral and non-polar, with threonine, which is neutral and polar, at codon 524 of the NEFH protein (p.Ala524Thr). This variant is present in population databases (no rsID available, gnomAD 0.0009%). This variant has not been reported in the literature in individuals affected with NEFH-related conditions. Advanced modeling of protein sequence and biophysical properties (such as structural, functional, and spatial information, amino acid conservation, physicochemical variation, residue mobility, and thermodynamic stability) performed at Invitae indicates that this missense variant is not expected to disrupt NEFH protein function with a negative predictive value of 95%. In summary, the available evidence is currently insufficient to determine the role of this variant in disease. Therefore, it has been classified as a Variant of Uncertain Significance.

NM_021076.4(NEFH):c.1570G>A (p.Ala524Thr)

Gene: NEFH (neurofilament heavy chain; plus strand). Cytogenetic location: 22q12.2.
Variant type: single nucleotide variant.
Coding change: c.1570G>A on transcript NM_021076.4 (MANE Select); coding-DNA position 1570, G replaced by A.
Protein change: p.Ala524Thr; replaces alanine 524 with threonine.
Molecular consequence: missense variant.
Genome position (GRCh38, 1-based): chr22:29,489,210, G>A. VCF-style: chr22-29489210-G-A. GRCh37 (hg19) VCF-style: chr22-29885199-G-A.
Other names: short protein forms A524T.
Identifiers: ClinVar variation 2763056 (VCV002763056.3), dbSNP rs1428222021, ClinGen allele CA411130820.
Genomic context (GRCh38, chr22:29,489,210, plus strand): 5'-CCCCCAGCAGAAGAGGCTGCATCCCCAGAGAAGGAAGCCAAGTCACCAGTAAAGGAAGAG[G>A]CAAAGTCACCGGCTGAGGCCAAGTCCCCAGAGAAGGAGGAAGCAAAATCCCCAGCCGAAG-3'
Protein context (NP_066554.2, residues 514-534): KEAKSPVKEE[Ala524Thr]KSPAEAKSPE